The following is an entry in ClinVar:

ClinVar aggregate classification (germline): Benign/Likely benign. Review status: criteria provided, multiple submitters, no conflicts (2 of 4 stars). 7 submissions from 7 submitters: Benign (2); Likely benign (4). 1 of the submissions does not count toward it. Last evaluated 2025-12-17.

Conditions:
Cardiovascular phenotype. Identifiers: MedGen CN230736.
Long QT syndrome (LQTS). Identifiers: MedGen C0023976, MeSH D008133, MONDO:0002442. Disease mechanism: loss of function. Inheritance: Various modes of inheritance.
AKAP9-related disorder. Also called: AKAP9-related condition.
Long QT syndrome 11 (LQT11). Identifiers: Orphanet 101016, Orphanet 768, MedGen C2678483, MONDO:0012738, OMIM 611820.

Allele frequency attached by ClinVar (database versions not stated): ESP Exome Variant Server 0.00015; gnomAD 0.00033 and 0.00034; gnomAD exomes 0.00033 and 0.00057; TOPMed 0.00051; ExAC 0.00052; 1000 Genomes Project 0.00060; 1000 Genomes Project 30x 0.00062.
gnomAD v4.1: 573 of 1,614,092 alleles (0.035%); highest among the groups gnomAD compares: Middle Eastern, 0.63%; 2 homozygotes.

Submissions (7):

Labcorp Genetics (formerly Invitae), Labcorp
Classification: Benign for Long QT syndrome. Last evaluated: 2025-12-17. Review status: criteria provided, single submitter. Criteria: Invitae Variant Classification Sherloc (09022015). Collection method: clinical testing. Allele origin: germline.

Blueprint Genetics
Classification: Likely benign. Last evaluated: 2024-11-04. Review status: criteria provided, single submitter. Criteria: ACMG Guidelines, 2015. Collection method: clinical testing. Allele origin: germline.

CeGaT Center for Human Genetics Tuebingen
Classification: Likely benign. Last evaluated: 2023-12-01. Review status: criteria provided, single submitter. Criteria: CeGaT Center For Human Genetics Tuebingen Variant Classification Criteria Version 2. Collection method: clinical testing. Allele origin: germline. Affected: yes. Observed: 2 variant alleles.
Comment: AKAP9: BP4, BP7

Genome-Nilou Lab
Classification: Benign for Long QT syndrome 11. Last evaluated: 2021-12-05. Review status: criteria provided, single submitter. Criteria: ACMG Guidelines, 2015. Collection method: clinical testing. Allele origin: germline. Affected: no.

GeneDx
Classification: Likely benign. Last evaluated: 2021-07-28. Review status: criteria provided, single submitter. Criteria: GeneDx Variant Classification Process June 2021. Collection method: clinical testing. Allele origin: germline. Affected: yes.
Comment: This variant is associated with the following publications: (PMID: 26582918)

Ambry Genetics
Classification: Likely benign for Cardiovascular phenotype. Last evaluated: 2018-12-28. Review status: criteria provided, single submitter. Criteria: Ambry Variant Classification Scheme 2023. Collection method: clinical testing. Allele origin: germline.

PreventionGenetics, part of Exact Sciences
Classification: Likely benign for AKAP9-related condition. Last evaluated: 2019-06-12. Review status: no assertion criteria provided. Collection method: clinical testing. Allele origin: germline. Not counted in ClinVar's aggregate classification.
Comment: This variant is classified as likely benign based on ACMG/AMP sequence variant interpretation guidelines (Richards et al. 2015 PMID: 25741868, with internal and published modifications).

NM_005751.5(AKAP9):c.4825A>C (p.Arg1609=)

Gene: AKAP9 (A-kinase anchoring protein 9; plus strand). Cytogenetic location: 7q21.2.
Variant type: single nucleotide variant.
Coding change: c.4825A>C on transcript NM_005751.5 (MANE Select); coding-DNA position 4825, A replaced by C.
Protein change: p.Arg1609=; no amino-acid change (arginine 1609 retained).
Molecular consequence: synonymous variant.
Genome position (GRCh38, 1-based): chr7:92,040,806, A>C. VCF-style: chr7-92040806-A-C. GRCh37 (hg19) VCF-style: chr7-91670120-A-C.
Other names: c.4825A>C, p.Arg1609= (NM_147185.3).
Identifiers: ClinVar variation 696357 (VCV000696357.43), dbSNP rs143473598, ClinGen allele CA4336662.